The following is an entry in ClinVar:

NM_000540.3(RYR1):c.12377A>G (p.Glu4126Gly)

Gene: RYR1 (ryanodine receptor 1; plus strand). Cytogenetic location: 19q13.2.
Variant type: single nucleotide variant.
Coding change: c.12377A>G on transcript NM_000540.3 (MANE Select); coding-DNA position 12377, A replaced by G.
Protein change: p.Glu4126Gly; replaces glutamic acid 4126 with glycine.
Molecular consequence: missense variant.
Genome position (GRCh38, 1-based): chr19:38,561,207, A>G. VCF-style: chr19-38561207-A-G. GRCh37 (hg19) VCF-style: chr19-39051847-A-G.
Other names: c.12362A>G, p.Glu4121Gly (NM_001042723.2); short protein forms E4121G, E4126G.
Identifiers: ClinVar variation 2394483 (VCV002394483.5), dbSNP rs1973119974, ClinGen allele CA405668496.

ClinVar aggregate classification (germline): Uncertain significance. Review status: criteria provided, multiple submitters, no conflicts (2 of 4 stars). 4 submissions from 4 submitters: Uncertain significance (4). Last evaluated 2026-01-20.

Conditions:
Inborn genetic diseases. Identifiers: MedGen C0950123, MeSH D030342.
RYR1-related disorder. Also called: RYR1-related condition; RYR1-related disorders. Identifiers: MedGen CN239331.
Malignant hyperthermia, susceptibility to, 1 (MHS1). Also called: Anesthesia related hyperthermia; Malignant hyperpyrexia; Fulminating hyperpyrexia; Pharmacogenic myopathy; RYR1-Related Malignant Hyperthermia Susceptibility; Malignant hyperthermia suceptibility 1. Identifiers: Orphanet 423, MedGen C2930980, MONDO:0007783, OMIM 145600.

Allele frequency attached by ClinVar (database versions not stated): gnomAD exomes below 0.00001; TOPMed below 0.00001.
gnomAD v4.1: 5 of 1,614,180 alleles (0.00031%); highest among the groups gnomAD compares: Non-Finnish European, 0.00042%; no homozygotes.

Submissions (4):

Labcorp Genetics (formerly Invitae), Labcorp
Classification: Uncertain significance for RYR1-related disorder. Last evaluated: 2026-01-20. Review status: criteria provided, single submitter. Criteria: Invitae Variant Classification Sherloc (09022015). Collection method: clinical testing. Allele origin: germline.
Comment: This sequence change replaces glutamic acid, which is acidic and polar, with glycine, which is neutral and non-polar, at codon 4126 of the RYR1 protein (p.Glu4126Gly). This variant is not present in population databases (gnomAD no frequency). This variant has not been reported in the literature in individuals affected with RYR1-related conditions. ClinVar contains an entry for this variant (Variation ID: 2394483). Invitae Evidence Modeling of protein sequence and biophysical properties (such as structural, functional, and spatial information, amino acid conservation, physicochemical variation, residue mobility, and thermodynamic stability) indicates that this missense variant is not expected to disrupt RYR1 protein function with a negative predictive value of 80%. In summary, the available evidence is currently insufficient to determine the role of this variant in disease. Therefore, it has been classified as a Variant of Uncertain Significance.

GeneDx
Classification: Uncertain significance. Last evaluated: 2024-11-25. Review status: criteria provided, single submitter. Criteria: GeneDx Variant Classification Process June 2021. Collection method: clinical testing. Allele origin: germline. Affected: yes.
Comment: Not observed at significant frequency in large population cohorts (gnomAD); In silico analysis supports that this missense variant has a deleterious effect on protein structure/function; Has not been previously published as pathogenic or benign to our knowledge

All of Us Research Program, National Institutes of Health
Classification: Uncertain significance for Malignant hyperthermia, susceptibility to, 1. Last evaluated: 2023-12-01. Review status: criteria provided, single submitter. Criteria: ACMG Guidelines, 2015. Collection method: clinical testing. Allele origin: germline. Inheritance: Autosomal dominant inheritance. Observed: 1 variant allele, 1 heterozygote.
Comment: This study involves interpretation of variants in research participants for the purpose of population health screening. Participant phenotype was not available at the time of variant classification. Additional details can be found in publication PMID: 35346344, PMCID: PMC8962531

Ambry Genetics
Classification: Uncertain significance for Inborn genetic diseases. Last evaluated: 2022-04-07. Review status: criteria provided, single submitter. Criteria: Ambry Variant Classification Scheme 2023. Collection method: clinical testing. Allele origin: germline.